The following is an entry in ClinVar:

ClinVar aggregate classification (germline): Likely pathogenic (1 of 4 stars; one submission).

Conditions:
Inborn genetic diseases. Identifiers: MedGen C0950123, MeSH D030342.

Submission:

Ambry Genetics
Classification: Likely pathogenic for Inborn genetic diseases. Last evaluated: 2021-07-30. Review status: criteria provided, single submitter. Criteria: Ambry Variant Classification Scheme 2023. Collection method: clinical testing. Allele origin: germline.
Comment: The c.2915-2A>G intronic alteration consists of an A to G substitution two nucleotides before coding exon 12 of the CAMTA1 gene. Alterations that disrupt the canonical splice site are expected to cause aberrant splicing, resulting in an abnormal protein or a transcript that is subject to nonsense-mediated mRNA decay. This variant was not reported in population-based cohorts in the Genome Aggregation Database (gnomAD). This nucleotide position is highly conserved in available vertebrate species. In silico splice site analysis predicts that this alteration will weaken the native splice acceptor site and will result in the creation or strengthening of a novel splice acceptor site. Based on the available evidence, this alteration is classified as likely pathogenic.

NM_015215.4(CAMTA1):c.2915-2A>G

Gene: CAMTA1 (calmodulin binding transcription activator 1; plus strand). Cytogenetic location: 1p36.23.
Variant type: single nucleotide variant.
Coding change: c.2915-2A>G on transcript NM_015215.4 (MANE Select); the canonical splice acceptor site of the intron before coding-DNA position 2915, A replaced by G.
Molecular consequence: splice acceptor variant.
Genome position (GRCh38, 1-based): chr1:7,732,446, A>G. VCF-style: chr1-7732446-A-G. GRCh37 (hg19) VCF-style: chr1-7792506-A-G.
Other names: c.2915-2A>G (NM_001349609.2, NM_001349610.2, NM_001410737.1); c.2843-2A>G (NM_001410738.1); c.2825-2A>G (NM_001349608.2, NM_001349612.2); c.-14-2A>G (NM_001349614.1, NM_001349620.1, NM_001349621.1 and 10 more transcripts); c.44-2A>G (NM_001349613.1).
Identifiers: ClinVar variation 2233740 (VCV002233740.2), dbSNP rs2523004237, ClinGen allele CA338141884.